The following is an entry in ClinVar:

ClinVar aggregate classification (germline): Benign (0 of 4 stars; one submission).

Conditions:
FGFR4-related disorder. Also called: FGFR4-related condition.

Allele frequency attached by ClinVar (database versions not stated): ESP Exome Variant Server 0.72113; TOPMed 0.73885; gnomAD 0.74679; gnomAD exomes 0.77213; ExAC 0.79485; 1000 Genomes Project 30x 0.80184; 1000 Genomes Project 0.80711.
gnomAD v4.1: 1,242,565 of 1,613,994 alleles (77%); highest among the groups gnomAD compares: East Asian, 100%; 481,490 homozygotes.

Submission:

PreventionGenetics, part of Exact Sciences
Classification: Benign for FGFR4-related condition. Last evaluated: 2019-10-17. Review status: no assertion criteria provided. Collection method: clinical testing. Allele origin: germline.
Comment: This variant is classified as benign based on ACMG/AMP sequence variant interpretation guidelines (Richards et al. 2015 PMID: 25741868, with internal and published modifications).

NM_213647.3(FGFR4):c.702C>T (p.Arg234=)

Gene: FGFR4 (fibroblast growth factor receptor 4; plus strand). Cytogenetic location: 5q35.2.
Variant type: single nucleotide variant.
Coding change: c.702C>T on transcript NM_213647.3 (MANE Select); coding-DNA position 702, C replaced by T.
Protein change: p.Arg234=; no amino-acid change (arginine 234 retained).
Molecular consequence: synonymous variant.
Genome position (GRCh38, 1-based): chr5:177,091,783, C>T. VCF-style: chr5-177091783-C-T. GRCh37 (hg19) VCF-style: chr5-176518784-C-T.
Other names: c.702C>T, p.Arg234= (NM_001291980.2, NM_001354984.2, NM_002011.5 and 1 more transcripts).
Identifiers: ClinVar variation 3060679 (VCV003060679.2), dbSNP rs452885, ClinGen allele CA3576093.